The following is an entry in ClinVar:

ClinVar aggregate classification (germline): Uncertain significance. Review status: criteria provided, single submitter (1 of 4 stars). 2 submissions from 2 submitters: Uncertain significance (1). 1 of the submissions does not count toward it. Last evaluated 2026-05-16.

Conditions:
DYRK1B-related disorder. Also called: DYRK1B-related condition.

Allele frequency attached by ClinVar (database versions not stated): gnomAD 0.00002; gnomAD exomes 0.00003; ExAC 0.00004; 1000 Genomes Project 30x 0.00016; 1000 Genomes Project 0.00020.

Submissions (2):

PreventionGenetics, part of Exact Sciences
Classification: Uncertain significance for DYRK1B-related condition. Last evaluated: 2026-05-16. Review status: criteria provided, single submitter. Criteria: ACMG Guidelines, 2015. Collection method: clinical testing. Allele origin: germline.
Comment: The DYRK1B c.1450C>T variant is predicted to result in the amino acid substitution p.Arg484Cys. To our knowledge, this variant has not been reported in the literature. This variant is reported in 0.012% of alleles in individuals of East Asian descent in gnomAD, which is likely too common for an undocumented cause of disease. Although we suspect that this variant may be benign, at this time, the clinical significance of this variant is uncertain due to the absence of conclusive functional and genetic evidence.

Department of Pathology and Laboratory Medicine, Sinai Health System
Classification: Uncertain significance. Review status: no assertion criteria provided. Collection method: clinical testing. Allele origin: unknown. Affected: yes. Study: The Canadian Open Genetics Repository (COGR). Not counted in ClinVar's aggregate classification.
Comment: The DYRK1B p.Arg444Cys variant was not identified in the literature nor was it identified in ClinVar. The variant was identified in dbSNP (ID: rs545752876) and in control databases in 7 of 231186 chromosomes at a frequency of 0.00003028 (Genome Aggregation Database March 6, 2019, v2.1.1). The variant was observed in the following populations: East Asian in 2 of 16984 chromosomes (freq: 0.000118), African in 1 of 15672 chromosomes (freq: 0.000064), Latino in 1 of 29994 chromosomes (freq: 0.000033) and European (non-Finnish) in 3 of 106398 chromosomes (freq: 0.000028), but was not observed in the Ashkenazi Jewish, European (Finnish), Other, or South Asian populations. The p.Arg444 residue is conserved in mammals but not in more distantly related organisms, and four out of five computational analyses (PolyPhen-2, SIFT, AlignGVGD, BLOSUM, MutationTaster) suggest that the variant may impact the protein; however, this information is not predictive enough to assume pathogenicity. The variant occurs outside of the splicing consensus sequence and in silico or computational prediction software programs (SpliceSiteFinder, MaxEntScan, NNSPLICE, GeneSplicer) do not predict a difference in splicing. In summary, based on the above information the clinical significance of this variant cannot be determined with certainty at this time. This variant is classified as a variant of uncertain significance.

NM_004714.3(DYRK1B):c.1450C>T (p.Arg484Cys)

Gene: DYRK1B (dual specificity tyrosine phosphorylation regulated kinase 1B; minus strand). Cytogenetic location: 19q13.2.
Variant type: single nucleotide variant.
Coding change: c.1450C>T on transcript NM_004714.3 (MANE Select); coding-DNA position 1450, C replaced by T.
Protein change: p.Arg484Cys; replaces arginine 484 with cysteine.
Molecular consequence: missense variant.
Genome position (GRCh38, 1-based): chr19:39,826,248, G>A on the plus strand (C>T on the coding strand, the complement: DYRK1B is on the minus strand). VCF-style: chr19-39826248-G-A. GRCh37 (hg19) VCF-style: chr19-40316888-G-A.
Other names: c.1330C>T, p.Arg444Cys (NM_006483.3); c.1366C>T, p.Arg456Cys (NM_006484.3); c.1450C>T (NM_004714.2); short protein forms R444C, R456C, R484C.
Identifiers: ClinVar variation 1049522 (VCV001049522.2), dbSNP rs545752876, ClinGen allele CA9434026.